The following is an entry in ClinVar:

NM_000037.4(ANK1):c.129+11331G>C

Gene: ANK1 (ankyrin 1; minus strand). Cytogenetic location: 8p11.21.
Variant type: single nucleotide variant.
Coding change: c.129+11331G>C on transcript NM_000037.4 (MANE Select); 11331 bases into the intron after coding-DNA position 129, G replaced by C.
Molecular consequence: intron variant.
Genome position (GRCh38, 1-based): chr8:41,746,705, C>G on the plus strand (G>C on the coding strand, the complement: ANK1 is on the minus strand). VCF-style: chr8-41746705-C-G. GRCh37 (hg19) VCF-style: chr8-41604223-C-G.
Other names: c.228+11331G>C (NM_001142446.2); c.129+11331G>C (NM_020477.3, NM_020475.3, NM_020476.3).
Identifiers: ClinVar variation 3388916 (VCV003388916.14).

ClinVar aggregate classification (germline): Benign (1 of 4 stars; one submission).

gnomAD v4.1: 550 of 152,254 alleles (0.36%); highest among the groups gnomAD compares: African/African-American, 1.2%; 5 homozygotes.

Submission:

CeGaT Center for Human Genetics Tuebingen
Classification: Benign. Last evaluated: 2024-11-01. Review status: criteria provided, single submitter. Criteria: CeGaT Center For Human Genetics Tuebingen Variant Classification Criteria Version 2. Collection method: clinical testing. Allele origin: germline. Affected: yes. Observed: 1 variant allele.
Comment: ANK1: BP4, BP7, BS1, BS2